The following is an entry in ClinVar:

NM_000748.3(CHRNB2):c.520dup (p.Arg174fs)

Gene: CHRNB2 (cholinergic receptor nicotinic beta 2 subunit; plus strand). Cytogenetic location: 1q21.3.
Variant type: Duplication.
Coding change: c.520dup on transcript NM_000748.3 (MANE Select); coding-DNA position 520, one base duplicated (C; older notation c.520dupC).
Protein change: p.Arg174fs; shifts the reading frame from arginine 174.
Molecular consequence: frameshift variant.
Genome position (GRCh38, 1-based): chr1:154,571,343, C duplicated; the last of 2 consecutive C bases (chr1:154,571,342-154,571,343); duplicating either gives the same sequence. VCF-style (leftmost placement, unchanged base first): chr1-154571341-T-TC. GRCh37 (hg19) VCF-style: chr1-154543817-T-TC.
Other names: short protein forms R174fs.
Identifiers: ClinVar variation 2761394 (VCV002761394.3), dbSNP rs2526368309, ClinGen allele CA2697554563.

ClinVar aggregate classification (germline): Uncertain significance (1 of 4 stars; one submission).

Conditions:
Familial sleep-related hypermotor epilepsy. Also called: Autosomal Dominant Sleep-Related Hypermotor (Hyperkinetic) Epilepsy. Identifiers: Orphanet 98784, MedGen C3696898, MONDO:0000030.

Submission:

Labcorp Genetics (formerly Invitae), Labcorp
Classification: Uncertain significance. Last evaluated: 2023-12-13. Review status: criteria provided, single submitter. Criteria: Invitae Variant Classification Sherloc (09022015). Collection method: clinical testing. Allele origin: germline.
Comment: This sequence change creates a premature translational stop signal (p.Arg174Profs*17) in the CHRNB2 gene. It is expected to result in an absent or disrupted protein product. However, the current clinical and genetic evidence is not sufficient to establish whether loss-of-function variants in CHRNB2 cause disease. This variant is not present in population databases (gnomAD no frequency). This variant has not been reported in the literature in individuals affected with CHRNB2-related conditions. In summary, the available evidence is currently insufficient to determine the role of this variant in disease. Therefore, it has been classified as a Variant of Uncertain Significance.